The following is an entry in ClinVar:

ClinVar aggregate classification (germline): Uncertain significance (1 of 4 stars; one submission).

Conditions:
Weaver syndrome (WVS). Also called: Weaver Smith syndrome; Overgrowth syndrome with accelerated skeletal maturation, unusual facies, and camptodactyly. Identifiers: Orphanet 3447, MedGen C0265210, MONDO:0010193, OMIM 277590.

Submission:

3billion
Classification: Uncertain significance for Weaver syndrome. Last evaluated: 2024-06-27. Review status: criteria provided, single submitter. Criteria: ACMG Guidelines, 2015. Collection method: clinical testing. Allele origin: germline. Affected: yes.
Comment: The variant is not observed in the gnomAD v4.0.0 dataset. Predicted Consequence/Location: Missense changes are a common disease-causing mechanism. In silico tool predictions suggest damaging effect of the variant on gene or gene product [REVEL: 0.78 (>=0.6, sensitivity 0.68 and specificity 0.92)]. Therefore, this variant is classified as VUS according to the recommendation of ACMG/AMP guideline.

NM_004456.5(EZH2):c.704G>T (p.Gly235Val)

Gene: EZH2 (enhancer of zeste 2 polycomb repressive complex 2 subunit; minus strand). Cytogenetic location: 7q36.1.
Variant type: single nucleotide variant.
Coding change: c.704G>T on transcript NM_004456.5 (MANE Select); coding-DNA position 704, G replaced by T.
Protein change: p.Gly235Val; replaces glycine 235 with valine.
Molecular consequence: missense variant.
Genome position (GRCh38, 1-based): chr7:148,827,188, C>A on the plus strand (G>T on the coding strand, the complement: EZH2 is on the minus strand). VCF-style: chr7-148827188-C-A. GRCh37 (hg19) VCF-style: chr7-148524280-C-A.
Other names: c.704G>T, p.Gly235Val (NM_001203247.2); c.677G>T, p.Gly226Val (NM_001203248.2, NM_001203249.2); c.587G>T, p.Gly196Val (NM_152998.3); short protein forms G196V, G226V, G235V.
Identifiers: ClinVar variation 4293220 (VCV004293220.1).
Genomic context (GRCh38, chr7:148,827,188, plus strand): 5'-ACAGGGCAAGATTGCCTCAAAGGAACAAATTCTTACTTTTCCTTTAGTTCTTCTGCTGTG[C>A]CCTTATCTGGAAACATTGAGGAAATGGCTTCAAAAATTTTATCAGAAGGAAATTTCCGAG-3'
Protein context (NP_004447.2, residues 225-245): EAISSMFPDK[Gly235Val]TAEELKEKYK